The following is an entry in ClinVar:

NM_138387.4(G6PC3):c.845A>G (p.Gln282Arg)

Gene: G6PC3 (glucose-6-phosphatase catalytic subunit 3; plus strand). Cytogenetic location: 17q21.31.
Variant type: single nucleotide variant.
Coding change: c.845A>G on transcript NM_138387.4 (MANE Select); coding-DNA position 845, A replaced by G.
Protein change: p.Gln282Arg; replaces glutamine 282 with arginine.
Molecular consequence: missense variant. On other transcripts: 3 prime UTR variant (1).
Genome position (GRCh38, 1-based): chr17:44,075,847, A>G. VCF-style: chr17-44075847-A-G. GRCh37 (hg19) VCF-style: chr17-42153215-A-G.
Other names: c.*138A>G (NM_001319945.2); c.500A>G, p.Gln167Arg (NM_001384165.1, NM_001384166.1, NM_001384167.1 and 1 more transcripts); short protein forms Q167R, Q282R.
Identifiers: ClinVar variation 5022080 (VCV005022080.1).

ClinVar aggregate classification (germline): Uncertain significance (1 of 4 stars; one submission).

Conditions:
Inborn genetic diseases. Identifiers: MedGen C0950123, MeSH D030342.

Submission:

Ambry Genetics
Classification: Uncertain significance for Inborn genetic diseases. Last evaluated: 2026-06-22. Review status: criteria provided, single submitter. Criteria: Ambry Variant Classification Scheme 2023. Collection method: clinical testing. Allele origin: germline.
Comment: The p.Q282R variant (also known as c.845A>G), located in coding exon 6 of the G6PC3 gene, results from an A to G substitution at nucleotide position 845. The glutamine at codon 282 is replaced by arginine, an amino acid with highly similar properties. This amino acid position is conserved. In addition, this alteration is predicted to be tolerated by in silico analysis. Based on the available evidence, the clinical significance of this variant remains unclear.